The following is an entry in ClinVar:

ClinVar aggregate classification (germline): Benign. Review status: criteria provided, multiple submitters, no conflicts (2 of 4 stars). 14 submissions from 14 submitters: Benign (11). 3 of the submissions do not count toward it. Last evaluated 2026-03-23.

Conditions:
Familial hypokalemia-hypomagnesemia (GTLMNS). Also called: gitelman syndrome; HYPOMAGNESEMIA-HYPOKALEMIA, PRIMARY RENOTUBULAR, WITH HYPOCALCIURIA; POTASSIUM AND MAGNESIUM DEPLETION. Identifiers: Orphanet 358, MedGen C0268450, MONDO:0009904, OMIM 263800.

Allele frequency attached by ClinVar (database versions not stated): gnomAD exomes 0.39472 and 0.45980; ExAC 0.45897; ESP Exome Variant Server 0.47492; gnomAD 0.48985 and 0.48994; TOPMed 0.49680; 1000 Genomes Project 0.57069; 1000 Genomes Project 30x 0.57433.
gnomAD v4.1: 653,139 of 1,613,464 alleles (40%); highest among the groups gnomAD compares: African/African-American, 68%; 138,507 homozygotes.

Submissions (14):

Women's Health and Genetics/Laboratory Corporation of America, LabCorp
Classification: Benign. Last evaluated: 2026-03-23. Review status: criteria provided, single submitter. Criteria: LabCorp Variant Classification Summary - May 2015. Collection method: clinical testing. Allele origin: germline.

Labcorp Genetics (formerly Invitae), Labcorp
Classification: Benign. Last evaluated: 2026-02-04. Review status: criteria provided, single submitter. Criteria: Invitae Variant Classification Sherloc (09022015). Collection method: clinical testing. Allele origin: germline.

Blueprint Genetics
Classification: Benign. Last evaluated: 2024-11-27. Review status: criteria provided, single submitter. Criteria: ACMG Guidelines, 2015. Collection method: clinical testing. Allele origin: germline.

Mayo Clinic Laboratories, Mayo Clinic
Classification: Benign. Last evaluated: 2022-10-04. Review status: criteria provided, single submitter. Criteria: ACMG Guidelines, 2015. Collection method: clinical testing. Allele origin: germline. Observed: 113 variant alleles.
Comment: BS1, BS2, BP4, BP7

Genome-Nilou Lab
Classification: Benign for Familial hypokalemia-hypomagnesemia. Last evaluated: 2021-07-10. Review status: criteria provided, single submitter. Criteria: ACMG Guidelines, 2015. Collection method: clinical testing. Allele origin: germline. Affected: no.

GeneDx
Classification: Benign. Last evaluated: 2019-09-05. Review status: criteria provided, single submitter. Criteria: GeneDx Variant Classification Process June 2021. Collection method: clinical testing. Allele origin: germline. Affected: yes.
Comment: This variant is associated with the following publications: (PMID: 28325561, 31398183, 24776766)

Illumina Laboratory Services, Illumina
Classification: Benign for Familial hypokalemia-hypomagnesemia. Last evaluated: 2018-01-12. Review status: criteria provided, single submitter. Criteria: ICSL Variant Classification Criteria 13 December 2019. Collection method: clinical testing. Allele origin: germline.
Comment: This variant was observed in the ICSL laboratory as part of a predisposition screen in an ostensibly healthy population. It had not been previously curated by ICSL or reported in the Human Gene Mutation Database (HGMD: prior to June 1st, 2018), and was therefore a candidate for classification through an automated scoring system. Utilizing variant allele frequency, disease prevalence and penetrance estimates, and inheritance mode, an automated score was calculated to assess if this variant is too frequent to cause the disease. Based on the score and internal cut-off values, a variant classified as benign is not then subjected to further curation. The score for this variant resulted in a classification of benign for this disease.

Athena Diagnostics
Classification: Benign. Last evaluated: 2017-07-28. Review status: criteria provided, single submitter. Criteria: Athena Diagnostics Criteria. Collection method: clinical testing. Allele origin: germline.

Genome Diagnostics Laboratory, University Medical Center Utrecht
Classification: Benign for Familial hypokalemia-hypomagnesemia. Last evaluated: 2014-10-09. Review status: criteria provided, single submitter. Criteria: ACGS Guidelines, 2013. Collection method: clinical testing. Allele origin: germline. Affected: yes. Study: VKGL Data-share Consensus.

Breakthrough Genomics
Classification: Benign. Review status: criteria provided, single submitter. Criteria: ACMG Guidelines, 2015. Collection method: not provided. Allele origin: germline. Inheritance: Autosomal recessive inheritance. Affected: yes.

PreventionGenetics, part of Exact Sciences
Classification: Benign. Review status: criteria provided, single submitter. Criteria: ACMG Guidelines, 2015. Collection method: clinical testing. Allele origin: germline.

Natera, Inc.
Classification: Benign for Gitelman syndrome. Last evaluated: 2020-09-16. Review status: no assertion criteria provided. Collection method: clinical testing. Allele origin: germline. Not counted in ClinVar's aggregate classification.

Diagnostic Laboratory, Department of Genetics, University Medical Center Groningen
Classification: Benign for Familial hypokalemia-hypomagnesemia. Review status: no assertion criteria provided. Collection method: clinical testing. Allele origin: germline. Affected: yes. Study: VKGL Data-share Consensus. Not counted in ClinVar's aggregate classification.

Joint Genome Diagnostic Labs from Nijmegen and Maastricht, Radboudumc and MUMC+
Classification: Benign. Review status: no assertion criteria provided. Collection method: clinical testing. Allele origin: germline. Affected: yes. Study: VKGL Data-share Consensus. Not counted in ClinVar's aggregate classification.

NM_001126108.2(SLC12A3):c.1670-8T>C

Gene: SLC12A3 (solute carrier family 12 member 3; plus strand). Cytogenetic location: 16q13.
Variant type: single nucleotide variant.
Coding change: c.1670-8T>C on transcript NM_001126108.2 (MANE Select); 8 bases into the intron before coding-DNA position 1670, T replaced by C.
Molecular consequence: intron variant.
Genome position (GRCh38, 1-based): chr16:56,884,041, T>C. VCF-style: chr16-56884041-T-C. GRCh37 (hg19) VCF-style: chr16-56917953-T-C.
Other names: p.?; c.1670-8T>C (NM_000339.3); c.1667-8T>C (NM_001126107.2).
Identifiers: ClinVar variation 255880 (VCV000255880.28), dbSNP rs2304483, ClinGen allele CA8069576.